The following is an entry in ClinVar:

ClinVar aggregate classification (germline): Uncertain significance. Review status: criteria provided, multiple submitters, no conflicts (2 of 4 stars). 2 submissions from 2 submitters: Uncertain significance (2). Last evaluated 2024-03-14.

Conditions:
Hereditary nonpolyposis colorectal neoplasms. Identifiers: MedGen C0009405, MeSH D003123.
Hereditary cancer-predisposing syndrome. Also called: Neoplastic Syndromes, Hereditary; Tumor predisposition; Hereditary Cancer Syndrome; Hereditary neoplastic syndrome. Identifiers: Orphanet 140162, MedGen C0027672, MeSH D009386, MONDO:0015356.

Submissions (2):

Labcorp Genetics (formerly Invitae), Labcorp
Classification: Uncertain significance for Hereditary nonpolyposis colorectal neoplasms. Last evaluated: 2024-03-14. Review status: criteria provided, single submitter. Criteria: Invitae Variant Classification Sherloc (09022015). Collection method: clinical testing. Allele origin: germline.
Comment: This sequence change replaces aspartic acid, which is acidic and polar, with glutamic acid, which is acidic and polar, at codon 64 of the PMS2 protein (p.Asp64Glu). This variant is not present in population databases (gnomAD no frequency). This variant has not been reported in the literature in individuals affected with PMS2-related conditions. ClinVar contains an entry for this variant (Variation ID: 1782860). Advanced modeling of protein sequence and biophysical properties (such as structural, functional, and spatial information, amino acid conservation, physicochemical variation, residue mobility, and thermodynamic stability) performed at Invitae indicates that this missense variant is not expected to disrupt PMS2 protein function with a negative predictive value of 80%. In summary, the available evidence is currently insufficient to determine the role of this variant in disease. Therefore, it has been classified as a Variant of Uncertain Significance.

Ambry Genetics
Classification: Uncertain significance for Hereditary cancer-predisposing syndrome. Last evaluated: 2021-07-21. Review status: criteria provided, single submitter. Criteria: Ambry Variant Classification Scheme 2023. Collection method: clinical testing. Allele origin: germline.
Comment: The p.D64E variant (also known as c.192T>A), located in coding exon 3 of the PMS2 gene, results from a T to A substitution at nucleotide position 192. The aspartic acid at codon 64 is replaced by glutamic acid, an amino acid with highly similar properties. This amino acid position is not well conserved in available vertebrate species. In addition, this alteration is predicted to be tolerated by in silico analysis. Since supporting evidence is limited at this time, the clinical significance of this alteration remains unclear.

NM_000535.7(PMS2):c.192T>A (p.Asp64Glu)

Gene: PMS2 (PMS1 homolog 2, mismatch repair system component; minus strand). Cytogenetic location: 7p22.1.
Variant type: single nucleotide variant.
Coding change: c.192T>A on transcript NM_000535.7 (MANE Select); coding-DNA position 192, T replaced by A.
Protein change: p.Asp64Glu; replaces aspartic acid 64 with glutamic acid.
Molecular consequence: missense variant. On other transcripts: 5 prime UTR variant (11), non-coding transcript variant (1).
Genome position (GRCh38, 1-based): chr7:6,004,030, A>T on the plus strand (T>A on the coding strand, the complement: PMS2 is on the minus strand). VCF-style: chr7-6004030-A-T. GRCh37 (hg19) VCF-style: chr7-6043661-A-T.
Other names: c.-214T>A (NM_001018040.1, NM_001322003.2, NM_001322004.2 and 14 more transcripts); c.192T>A, p.Asp64Glu (NM_001322006.2, NM_001322014.2, NM_001406868.1 and 10 more transcripts); c.-24T>A (NM_001322007.2, NM_001322008.2, NM_001406876.1 and 4 more transcripts); c.-693T>A (NM_001322011.2, NM_001322012.2); c.-293T>A (NM_001322015.2, NM_001406875.1, NM_001406877.1 and 3 more transcripts); c.378T>A, p.Asp126Glu (NM_001406866.1); c.-240T>A (NM_001406880.1); c.-190T>A (NM_001406881.1, NM_001406900.1); and 2 more; short protein forms D126E, D64E.
Identifiers: ClinVar variation 1782860 (VCV001782860.4), dbSNP rs1258284726, ClinGen allele CA366744880.